The following is an entry in ClinVar:

ClinVar aggregate classification (germline): Pathogenic/Likely pathogenic. Review status: criteria provided, multiple submitters, no conflicts (2 of 4 stars). 2 submissions from 2 submitters: Pathogenic (1); Likely pathogenic (1). Last evaluated 2025-10-02.

Conditions:
Congenital muscular dystrophy due to integrin alpha-7 deficiency. Also called: MYOPATHY, CONGENITAL, DUE TO INTEGRIN ALPHA-7 DEFICIENCY; Congenital muscular dystrophy with integrin alpha-7 deficiency; Muscular dystrophy, congenital, due to ITGA7 deficiency. Identifiers: Orphanet 34520, MedGen C2750786, MONDO:0013177, OMIM 613204.

Allele frequency attached by ClinVar (database versions not stated): TOPMed below 0.00001; gnomAD 0.00001.
gnomAD v4.1: 15 of 1,613,892 alleles (0.00093%); highest among the groups gnomAD compares: East Asian, 0.0045%; no homozygotes.

Submissions (2):

Labcorp Genetics (formerly Invitae), Labcorp
Classification: Pathogenic for Congenital muscular dystrophy due to integrin alpha-7 deficiency. Last evaluated: 2025-10-02. Review status: criteria provided, single submitter. Criteria: Invitae Variant Classification Sherloc (09022015). Collection method: clinical testing. Allele origin: germline.
Comment: This sequence change creates a premature translational stop signal (p.Arg798*) in the ITGA7 gene. It is expected to result in an absent or disrupted protein product. Loss-of-function variants in ITGA7 are known to be pathogenic (PMID: 9590299). This variant is present in population databases (rs755438542, gnomAD 0.003%). This variant has not been reported in the literature in individuals affected with ITGA7-related conditions. ClinVar contains an entry for this variant (Variation ID: 844274). Algorithms developed to predict the effect of sequence changes on RNA splicing suggest that this variant may disrupt the consensus splice site. For these reasons, this variant has been classified as Pathogenic.

Revvity Omics, Revvity
Classification: Likely pathogenic for Congenital muscular dystrophy due to integrin alpha-7 deficiency. Last evaluated: 2021-05-25. Review status: criteria provided, single submitter. Criteria: ACMG Guidelines, 2015. Collection method: clinical testing. Allele origin: germline.

Literature cited by the submitters: PubMed 9590299 (cited by Labcorp Genetics (formerly Invitae), Labcorp).

NM_002206.3(ITGA7):c.2392C>T (p.Arg798Ter)

Genes: ITGA7 (integrin subunit alpha 7; minus strand), LOC126861535 (CDK7 strongly-dependent group 2 enhancer GRCh37_chr12:56087579-56088778; plus strand). Cytogenetic location: 12q13.2.
Variant type: single nucleotide variant.
Coding change: c.2392C>T on transcript NM_002206.3 (MANE Select); coding-DNA position 2392, C replaced by T.
Protein change: p.Arg798Ter; replaces arginine 798 with a stop codon.
Molecular consequence: nonsense.
Genome position (GRCh38, 1-based): chr12:55,694,296, G>A on the plus strand (C>T on the coding strand, the complement: ITGA7 is on the minus strand). VCF-style: chr12-55694296-G-A. GRCh37 (hg19) VCF-style: chr12-56088080-G-A.
Other names: c.2404C>T, p.Arg802Ter (NM_001144996.2); c.2113C>T, p.Arg705Ter (NM_001144997.2); c.2065C>T, p.Arg689Ter (NM_001367993.1); c.1048C>T, p.Arg350Ter (NM_001367994.1); c.2374C>T, p.Arg792Ter (NM_001374465.1); c.2524C>T, p.Arg842Ter (NM_001410977.1); c.2386C>T, p.Arg796Ter (NM_001414029.1); c.2317C>T, p.Arg773Ter (NM_001414030.1); and 5 more; short protein forms R792*, R350*, R705*, R802*, R798*, R689*, R842*, R737*.
Identifiers: ClinVar variation 844274 (VCV000844274.11), dbSNP rs755438542, ClinGen allele CA6615616.